The following is an entry in ClinVar:

ClinVar aggregate classification (germline): Uncertain significance (1 of 4 stars; one submission).

Conditions:
Sarcotubular myopathy (LGMDR8). Also called: Autosomal recessive limb-girdle muscular dystrophy type 2H; Limb-girdle muscular dystrophy, type 2H; MUSCULAR DYSTROPHY, LIMB-GIRDLE, AUTOSOMAL RECESSIVE 8; Hutterite type of muscular dystrophy. Identifiers: Orphanet 1878, MedGen C0270968, MONDO:0009683, OMIM 254110.

gnomAD v4.1: 1 of 1,614,100 alleles (0.000062%); highest among the groups gnomAD compares: Non-Finnish European, 0.000085%; no homozygotes.

Submission:

Broad Center for Mendelian Genomics, Broad Institute of MIT and Harvard
Classification: Uncertain significance for Sarcotubular myopathy. Last evaluated: 2018-06-15. Review status: criteria provided, single submitter. Criteria: ACMG Guidelines, 2015. Collection method: research. Allele origin: germline. Inheritance: Autosomal recessive inheritance. Affected: yes.
Comment: This variant was absent from large population studies. The Isoleucine (Ile) at position 291 is conserved in mammals and evolutionarily distant species, raising the possibility that a change at this position may not be tolerated. Computational prediction tools do not provide strong support for or against an impact to the protein. In summary, the clinical significance of this variant is uncertain.

NM_012210.4(TRIM32):c.872T>G (p.Ile291Ser)

Genes: ASTN2 (astrotactin 2; minus strand), TRIM32 (tripartite motif containing 32; plus strand). Cytogenetic location: 9q33.1.
Variant type: single nucleotide variant.
Coding change: c.872T>G on transcript NM_012210.4 (MANE Select); coding-DNA position 872, T replaced by G.
Protein change: p.Ile291Ser; replaces isoleucine 291 with serine.
Molecular consequence: missense variant. On other transcripts: intron variant (3).
Genome position (GRCh38, 1-based): chr9:116,698,614, T>G. VCF-style: chr9-116698614-T-G. GRCh37 (hg19) VCF-style: chr9-119460893-T-G.
Other names: c.872T>G, p.Ile291Ser (NM_001099679.2, NM_001379048.1, NM_001379049.1 and 1 more transcripts); c.2653+27157A>C (NM_014010.5); c.2794+27157A>C (NM_001365069.1); c.2806+27157A>C (NM_001365068.1); short protein forms I291S.
Identifiers: ClinVar variation 635044 (VCV000635044.1), dbSNP rs762907412, ClinGen allele CA374650153.